The following is an entry in ClinVar:

NM_001242896.3(DEPDC5):c.4621G>A (p.Glu1541Lys)

Gene: DEPDC5 (DEP domain containing 5, GATOR1 subcomplex subunit; plus strand). Cytogenetic location: 22q12.3.
Variant type: single nucleotide variant.
Coding change: c.4621G>A on transcript NM_001242896.3 (MANE Select); coding-DNA position 4621, G replaced by A.
Protein change: p.Glu1541Lys; replaces glutamic acid 1541 with lysine.
Molecular consequence: missense variant. On other transcripts: non-coding transcript variant (5).
Genome position (GRCh38, 1-based): chr22:31,906,306, G>A. VCF-style: chr22-31906306-G-A. GRCh37 (hg19) VCF-style: chr22-32302292-G-A.
Other names: c.4594G>A, p.Glu1532Lys (NM_001136029.4); c.4321G>A, p.Glu1441Lys (NM_001242897.2); c.4555G>A, p.Glu1519Lys (NM_001363852.2, NM_001364320.2); c.4387G>A, p.Glu1463Lys (NM_001363854.2, NM_001364319.2); c.4621G>A, p.Glu1541Lys (NM_001364318.2); c.4537G>A, p.Glu1513Lys (NM_001369901.1, NM_001369902.1); c.4528G>A, p.Glu1510Lys (NM_001369903.1, NM_014662.6); short protein forms E1441K, E1463K, E1510K, E1513K, E1519K, E1532K, E1541K.
Identifiers: ClinVar variation 1052218 (VCV001052218.9), dbSNP rs2149449183, ClinGen allele CA411292563.

ClinVar aggregate classification (germline): Uncertain significance. Review status: criteria provided, multiple submitters, no conflicts (2 of 4 stars). 2 submissions from 2 submitters: Uncertain significance (2). Last evaluated 2025-07-08.

Conditions:
Familial focal epilepsy with variable foci (FPEVF). Identifiers: Orphanet 98820, MedGen C1858477, MONDO:0020310.

gnomAD v4.1: 3 of 1,613,980 alleles (0.00019%); highest among the groups gnomAD compares: Non-Finnish European, 0.00025%; no homozygotes.

Submissions (2):

Labcorp Genetics (formerly Invitae), Labcorp
Classification: Uncertain significance for Familial focal epilepsy with variable foci. Last evaluated: 2025-07-08. Review status: criteria provided, single submitter. Criteria: Invitae Variant Classification Sherloc (09022015). Collection method: clinical testing. Allele origin: germline.
Comment: This sequence change replaces glutamic acid, which is acidic and polar, with lysine, which is basic and polar, at codon 1541 of the DEPDC5 protein (p.Glu1541Lys). This variant is not present in population databases (gnomAD no frequency). This variant has not been reported in the literature in individuals affected with DEPDC5-related conditions. ClinVar contains an entry for this variant (Variation ID: 1052218). Experimental studies and prediction algorithms are not available or were not evaluated, and the functional significance of this variant is currently unknown. In summary, the available evidence is currently insufficient to determine the role of this variant in disease. Therefore, it has been classified as a Variant of Uncertain Significance.

Institute for Clinical Genetics, University Hospital TU Dresden, University Hospital TU Dresden
Classification: Uncertain significance. Last evaluated: 2023-05-22. Review status: criteria provided, single submitter. Criteria: ACMG Guidelines, 2015. Collection method: clinical testing. Allele origin: maternal.
Comment: PM2_SUP